The following is an entry in ClinVar:

NC_000015.9:g.(?_55631445)_(55742585_?)dup

Genes: CCPG1 (cell cycle progression 1; minus strand), DNAAF4 (dynein axonemal assembly factor 4; minus strand), PIERCE2 (piercer of microtubule wall 2; plus strand), PIGB (phosphatidylinositol glycan anchor biosynthesis class B; plus strand). Cytogenetic location: 15q21.3.
Variant type: Duplication.
Identifiers: ClinVar variation 2427201 (VCV002427201.3).

ClinVar aggregate classification (germline): Uncertain significance (1 of 4 stars; one submission).

Submission:

Labcorp Genetics (formerly Invitae), Labcorp
Classification: Uncertain significance. Last evaluated: 2022-02-02. Review status: criteria provided, single submitter. Criteria: Invitae Variant Classification Sherloc (09022015). Collection method: clinical testing. Allele origin: germline.
Comment: This variant results in a copy number gain of the genomic region encompassing exon(s) 6-10 of the DNAAF4 gene. This region includes the termination codon of the gene. This copy number gain extends beyond the assayed region for this gene and therefore may encompass additional genes. As the precise location of this event is unknown, it may be in tandem or it may be located elsewhere in the genome. This variant has not been reported in the literature in individuals affected with DNAAF4-related conditions. In summary, the available evidence is currently insufficient to determine the role of this variant in disease. Therefore, it has been classified as a Variant of Uncertain Significance.